The following is an entry in ClinVar:

ClinVar aggregate classification (germline): Conflicting classifications of pathogenicity. Review status: criteria provided, conflicting classifications (1 of 4 stars). 3 submissions from 3 submitters: Uncertain significance (2); Likely benign (1). Last evaluated 2026-01-27.

Allele frequency attached by ClinVar (database versions not stated): TOPMed 0.00007; gnomAD 0.00011; 1000 Genomes Project 0.00020; 1000 Genomes Project 30x 0.00016.
gnomAD v4.1: 172 of 1,613,770 alleles (0.011%); highest among the groups gnomAD compares: East Asian, 0.067%; no homozygotes.

Submissions (3):

Labcorp Genetics (formerly Invitae), Labcorp
Classification: Uncertain significance. Last evaluated: 2026-01-27. Review status: criteria provided, single submitter. Criteria: Invitae Variant Classification Sherloc (09022015). Collection method: clinical testing. Allele origin: germline.
Comment: This sequence change replaces alanine, which is neutral and non-polar, with threonine, which is neutral and polar, at codon 637 of the SAMD9L protein (p.Ala637Thr). This variant is present in population databases (rs573825281, gnomAD 0.04%), and has an allele count higher than expected for a pathogenic variant. This missense change has been observed in individual(s) with aplastic anemia, myelodysplastic syndrome, and/or paroxysmal nocturnal hemoglobinuria (PMID: 30322869, 34621053). ClinVar contains an entry for this variant (Variation ID: 2159442). Invitae Evidence Modeling of protein sequence and biophysical properties (such as structural, functional, and spatial information, amino acid conservation, physicochemical variation, residue mobility, and thermodynamic stability) indicates that this missense variant is not expected to disrupt SAMD9L protein function with a negative predictive value of 80%. Experimental studies have shown that this missense change affects SAMD9L function (PMID: 34621053). In summary, the available evidence is currently insufficient to determine the role of this variant in disease. Therefore, it has been classified as a Variant of Uncertain Significance.

Mayo Clinic Laboratories, Mayo Clinic
Classification: Likely benign. Last evaluated: 2025-08-04. Review status: criteria provided, single submitter. Criteria: ACMG Guidelines, 2015. Collection method: clinical testing. Allele origin: germline. Observed: 1 variant allele.
Comment: BS2, BP4_moderate

GeneDx
Classification: Uncertain significance. Last evaluated: 2024-07-30. Review status: criteria provided, single submitter. Criteria: GeneDx Variant Classification Process June 2021. Collection method: clinical testing. Allele origin: germline.
Comment: Observed in an individual with aplastic anemia and/or paroxysmal nocturnal hemoglobinuria (PMID: 30322869); Published functional studies suggest a damaging effect: cellular growth inhibition similar to pathogenic controls (PMID: 34621053); In silico analysis indicates that this missense variant does not alter protein structure/function; This variant is associated with the following publications: (PMID: 34621053, 36880537, 30322869)

Literature cited by the submitters: PubMed 30322869 (cited by Labcorp Genetics (formerly Invitae), Labcorp); PubMed 34621053 (cited by Labcorp Genetics (formerly Invitae), Labcorp).

NM_152703.5(SAMD9L):c.1909G>A (p.Ala637Thr)

Gene: SAMD9L (sterile alpha motif domain containing 9 like; minus strand). Cytogenetic location: 7q21.2.
Variant type: single nucleotide variant.
Coding change: c.1909G>A on transcript NM_152703.5 (MANE Select); coding-DNA position 1909, G replaced by A.
Protein change: p.Ala637Thr; replaces alanine 637 with threonine.
Molecular consequence: missense variant.
Genome position (GRCh38, 1-based): chr7:93,134,063, C>T on the plus strand (G>A on the coding strand, the complement: SAMD9L is on the minus strand). VCF-style: chr7-93134063-C-T. GRCh37 (hg19) VCF-style: chr7-92763376-C-T.
Other names: p.Ala637Thr; c.1909G>A (NM_152703.3); c.1909G>A, p.Ala637Thr (NM_001303496.3, NM_001303497.3, NM_001303498.3 and 5 more transcripts); short protein forms A637T.
Identifiers: ClinVar variation 2159442 (VCV002159442.7), dbSNP rs573825281, ClinGen allele CA4343661.